The following is an entry in ClinVar:

ClinVar aggregate classification (germline): Likely pathogenic (1 of 4 stars; one submission).

Conditions:
Galactosylceramide beta-galactosidase deficiency. Also called: GALACTOCEREBROSIDASE DEFICIENCY; GALC DEFICIENCY; GLOBOID CELL LEUKOENCEPHALOPATHY; Leukodystrophy, Globoid Cell; Krabbe Disease. Identifiers: Orphanet 487, MedGen C0023521, MONDO:0009499, OMIM 245200.

Submission:

Myriad Genetics, Inc.
Classification: Likely pathogenic for Galactosylceramide beta-galactosidase deficiency. Last evaluated: 2022-02-25. Review status: criteria provided, single submitter. Criteria: Myriad Women's Health Autosomal Recessive and X-Linked Classification Criteria (2021). Collection method: clinical testing. Allele origin: unknown.
Comment: NM_000153.3(GALC):c.1365_1366delAC(L456Efs*4) is expected to be pathogenic in the context of Krabbe disease. This variant is predicted to lead to an abnormal or absent protein product due to the creation of a premature termination codon in GALC, a gene where loss-of-function variants are known to be pathogenic. Please note: this variant was assessed in the context of healthy population screening.

NM_000153.4(GALC):c.1365_1366del (p.Leu456fs)

Gene: GALC (galactosylceramidase; minus strand). Cytogenetic location: 14q31.3.
Variant type: Microsatellite.
Coding change: c.1365_1366del on transcript NM_000153.4 (MANE Select); coding-DNA positions 1365 to 1366, 2 bases deleted (AC; older notation c.1365_1366delAC).
Protein change: p.Leu456fs; shifts the reading frame from leucine 456.
Molecular consequence: frameshift variant.
Genome position (GRCh38, 1-based): chr14:87,947,851-87,947,852, GT deleted on the plus strand (AC on the coding strand, the reverse complement: GALC is on the minus strand); deleting any 2 consecutive bases within chr14:87,947,851-87,947,855 gives the same sequence; the c. name uses the placement nearest the transcript's 3' end. VCF-style (leftmost placement, unchanged base first): chr14-87947850-AGT-A. GRCh37 (hg19) VCF-style: chr14-88414194-AGT-A.
Other names: c.1296_1297del, p.Leu433fs (NM_001201401.2); c.1287_1288del, p.Leu430fs (NM_001201402.2); short protein forms L430fs, L433fs, L456fs.
Identifiers: ClinVar variation 1724749 (VCV001724749.2), dbSNP rs2503363505, ClinGen allele CA2580612784.